The following is an entry in ClinVar:

NM_001291303.3(FAT4):c.9800A>G (p.His3267Arg)

Gene: FAT4 (FAT atypical cadherin 4; plus strand). Cytogenetic location: 4q28.1.
Variant type: single nucleotide variant.
Coding change: c.9800A>G on transcript NM_001291303.3 (MANE Select); coding-DNA position 9800, A replaced by G.
Protein change: p.His3267Arg; replaces histidine 3267 with arginine.
Molecular consequence: missense variant.
Genome position (GRCh38, 1-based): chr4:125,450,810, A>G. VCF-style: chr4-125450810-A-G. GRCh37 (hg19) VCF-style: chr4-126371965-A-G.
Other names: c.9800A>G, p.His3267Arg (NM_001291285.3); c.9794A>G, p.His3265Arg (NM_024582.6); c.9800A>G (NM_001291303.1); c.9794A>G (NM_024582.4); short protein forms H3265R, H3267R.
Identifiers: ClinVar variation 811948 (VCV000811948.16), dbSNP rs773545119, ClinGen allele CA3073580.

ClinVar aggregate classification (germline): Uncertain significance. Review status: criteria provided, multiple submitters, no conflicts (2 of 4 stars). 4 submissions from 4 submitters: Uncertain significance (4). Last evaluated 2026-08-10.

Conditions:
FAT4-related disorder. Also called: FAT4-related condition.
Inborn genetic diseases. Identifiers: MedGen C0950123, MeSH D030342.

Allele frequency attached by ClinVar (database versions not stated): gnomAD 0.00002; gnomAD exomes 0.00002; ExAC 0.00003; TOPMed 0.00003.
gnomAD v4.1: 35 of 1,614,016 alleles (0.0022%); highest among the groups gnomAD compares: Non-Finnish European, 0.0027%; no homozygotes.

Submissions (4):

PreventionGenetics, part of Exact Sciences
Classification: Uncertain significance for FAT4-related condition. Last evaluated: 2026-08-10. Review status: criteria provided, single submitter. Criteria: ACMG Guidelines, 2015. Collection method: clinical testing. Allele origin: germline.
Comment: The FAT4 c.9800A>G variant is predicted to result in the amino acid substitution p.His3267Arg. To our knowledge, this variant has not been reported in the literature. This variant is reported in 0.0033% of alleles in individuals of South Asian descent in gnomAD. At this time, the clinical significance of this variant is uncertain due to the absence of conclusive functional and genetic evidence.

Labcorp Genetics (formerly Invitae), Labcorp
Classification: Uncertain significance. Last evaluated: 2026-01-25. Review status: criteria provided, single submitter. Criteria: Invitae Variant Classification Sherloc (09022015). Collection method: clinical testing. Allele origin: germline.
Comment: This sequence change replaces histidine, which is basic and polar, with arginine, which is basic and polar, at codon 3265 of the FAT4 protein (p.His3265Arg). This variant is present in population databases (rs773545119, gnomAD 0.003%). This variant has not been reported in the literature in individuals affected with FAT4-related conditions. ClinVar contains an entry for this variant (Variation ID: 811948). Invitae Evidence Modeling of protein sequence and biophysical properties (such as structural, functional, and spatial information, amino acid conservation, physicochemical variation, residue mobility, and thermodynamic stability) indicates that this missense variant is not expected to disrupt FAT4 protein function with a negative predictive value of 80%. In summary, the available evidence is currently insufficient to determine the role of this variant in disease. Therefore, it has been classified as a Variant of Uncertain Significance.

Ambry Genetics
Classification: Uncertain significance for Inborn genetic diseases. Last evaluated: 2024-01-17. Review status: criteria provided, single submitter. Criteria: Ambry Variant Classification Scheme 2023. Collection method: clinical testing. Allele origin: germline.

ARUP Laboratories, Molecular Genetics and Genomics, ARUP Laboratories
Classification: Uncertain significance. Last evaluated: 2019-04-13. Review status: criteria provided, single submitter. Criteria: ARUP Molecular Germline Variant Investigation Process. Collection method: clinical testing. Allele origin: germline.
Comment: The p.His3265Arg variant (rs773545119) has not been reported in the medical literature, gene specific variation databases, nor has it been previously identified by our laboratory. This variant is listed in the Genome Aggregation Database (gnomAD) with an overall population frequency of 0.002 percent (identified on 5 out of 250,546 chromosomes). The histidine at position 3265 is highly conserved and computational analyses of the effects of the p.His3265Arg variant on protein structure and function is conflicting (SIFT: tolerated, PolyPhen-2: probably damaging). Altogether, there is not enough evidence to classify the p.His3265Arg variant with certainty.